The following is an entry in ClinVar:

ClinVar aggregate classification (germline): Pathogenic (1 of 4 stars; one submission).

Conditions:
PKD1-related disorder. Also called: PKD1-related condition.

Submission:

PreventionGenetics, part of Exact Sciences
Classification: Pathogenic for PKD1-related condition. Last evaluated: 2023-06-14. Review status: criteria provided, single submitter. Criteria: ACMG Guidelines, 2015. Collection method: clinical testing. Allele origin: germline.
Comment: The PKD1 c.11235dupG variant is predicted to result in a frameshift and premature protein termination (p.Pro3746Alafs*70). To our knowledge, this variant has not been reported in the literature or in a large population database, indicating this variant is rare. Frameshift variants in PKD1 are expected to be pathogenic. This variant is interpreted as pathogenic.

NM_001009944.3(PKD1):c.11235dup (p.Pro3746fs)

Genes: PKD1 (polycystin 1, transient receptor potential channel interacting; minus strand), PKD1-AS1 (PKD1 antisense RNA 1; plus strand). Cytogenetic location: 16p13.3.
Variant type: Duplication.
Coding change: c.11235dup on transcript NM_001009944.3 (MANE Select); coding-DNA position 11235, one base duplicated (G; older notation c.11235dupG).
Protein change: p.Pro3746fs; shifts the reading frame from proline 3746.
Molecular consequence: frameshift variant.
Genome position (GRCh38, 1-based): chr16:2,092,514, C duplicated on the plus strand (G on the coding strand, the reverse complement: PKD1 is on the minus strand); the first of 4 consecutive C bases (chr16:2,092,514-2,092,517); duplicating any one gives the same sequence. VCF-style (leftmost placement, unchanged base first): chr16-2092513-G-GC. GRCh37 (hg19) VCF-style: chr16-2142514-G-GC.
Other names: c.11232dup, p.Pro3745fs (NM_000296.4); c.11235dupG (NM_001009944.2); short protein forms P3745fs, P3746fs.
Identifiers: ClinVar variation 2632243 (VCV002632243.1), dbSNP rs2544631623, ClinGen allele CA2695197387.